The following is an entry in ClinVar:

NM_032608.7(MYO18B):c.5477C>T (p.Thr1826Ile)

Gene: MYO18B (myosin XVIIIB; plus strand). Cytogenetic location: 22q12.1.
Variant type: single nucleotide variant.
Coding change: c.5477C>T on transcript NM_032608.7 (MANE Select); coding-DNA position 5477, C replaced by T.
Protein change: p.Thr1826Ile; replaces threonine 1826 with isoleucine.
Molecular consequence: missense variant.
Genome position (GRCh38, 1-based): chr22:25,921,369, C>T. VCF-style: chr22-25921369-C-T. GRCh37 (hg19) VCF-style: chr22-26317336-C-T.
Other names: c.5480C>T, p.Thr1827Ile (NM_001318245.2); short protein forms T1826I, T1827I.
Identifiers: ClinVar variation 3360741 (VCV003360741.2).

ClinVar aggregate classification (germline): Uncertain significance. Review status: criteria provided, multiple submitters, no conflicts (2 of 4 stars). 2 submissions from 2 submitters: Uncertain significance (2). Last evaluated 2024-06-23.

Submissions (2):

Labcorp Genetics (formerly Invitae), Labcorp
Classification: Uncertain significance. Last evaluated: 2024-06-23. Review status: criteria provided, single submitter. Criteria: Invitae Variant Classification Sherloc (09022015). Collection method: clinical testing. Allele origin: germline.
Comment: This sequence change replaces threonine, which is neutral and polar, with isoleucine, which is neutral and non-polar, at codon 1826 of the MYO18B protein (p.Thr1826Ile). This variant is present in population databases (rs752700718, gnomAD 0.003%). This variant has not been reported in the literature in individuals affected with MYO18B-related conditions. An algorithm developed to predict the effect of missense changes on protein structure and function (PolyPhen-2) suggests that this variant¬†is likely to be tolerated. In summary, the available evidence is currently insufficient to determine the role of this variant in disease. Therefore, it has been classified as a Variant of Uncertain Significance.

GeneDx
Classification: Uncertain significance. Last evaluated: 2023-06-30. Review status: criteria provided, single submitter. Criteria: GeneDx Variant Classification Process June 2021. Collection method: clinical testing. Allele origin: germline. Affected: yes.
Comment: Not observed at significant frequency in large population cohorts (gnomAD); In silico analysis supports that this missense variant has a deleterious effect on protein structure/function; Has not been previously published as pathogenic or benign to our knowledge